The following is an entry in ClinVar:

NM_003978.5(PSTPIP1):c.-124C>T

Gene: PSTPIP1 (proline-serine-threonine phosphatase interacting protein 1; plus strand). Cytogenetic location: 15q24.3.
Variant type: single nucleotide variant.
Coding change: c.-124C>T on transcript NM_003978.5 (MANE Select); 124 bases upstream of the start codon, C replaced by T.
Molecular consequence: 5 prime UTR variant. On other transcripts: synonymous variant (1), non-coding transcript variant (1).
Genome position (GRCh38, 1-based): chr15:76,995,450, C>T. VCF-style: chr15-76995450-C-T. GRCh37 (hg19) VCF-style: chr15-77287791-C-T.
Other names: c.-124C>T (NM_001321135.2); c.-370C>T (NM_001321136.2); c.72C>T, p.Gly24= (NM_001321137.1).
Identifiers: ClinVar variation 317168 (VCV000317168.13), dbSNP rs760819203, ClinGen allele CA7675604.
Genomic context (GRCh38, chr15:76,995,450, plus strand): 5'-TTTTCCTCCCCTCAGAAGCTCCTCTCTGGCTCGTGGCTGCCTTCTGAGTGTTGCAGACGG[C>T]GCCGGCCGGGAAGGGGGGCCTGGGCCAGCCCTGCCAGGACTGGGACGCTGCTGCTGGCGC-3'

ClinVar aggregate classification (germline): Benign/Likely benign. Review status: criteria provided, multiple submitters, no conflicts (2 of 4 stars). 2 submissions from 2 submitters: Benign (1); Likely benign (1). Last evaluated 2024-02-14.

Conditions:
Pyogenic arthritis-pyoderma gangrenosum-acne syndrome (PAPA). Also called: FAMILIAL RECURRENT ARTHRITIS; PAPA SYNDROME. Identifiers: Orphanet 69126, MedGen C1858361, MONDO:0011462, OMIM 604416.

Allele frequency attached by ClinVar (database versions not stated): gnomAD 0.00007 and 0.00008; TOPMed 0.00009; gnomAD exomes 0.00010 and 0.00011; ExAC 0.00049.
gnomAD v4.1: 148 of 1,555,056 alleles (0.0095%); highest among the groups gnomAD compares: Non-Finnish European, 0.012%; no homozygotes.

Submissions (2):

ARUP Laboratories, Molecular Genetics and Genomics, ARUP Laboratories
Classification: Likely benign for Pyogenic arthritis-pyoderma gangrenosum-acne syndrome. Last evaluated: 2024-02-14. Review status: criteria provided, single submitter. Criteria: ARUP Molecular Germline Variant Investigation Process 2024. Collection method: clinical testing. Allele origin: germline.

Illumina Laboratory Services, Illumina
Classification: Benign for Pyogenic arthritis-pyoderma gangrenosum-acne syndrome. Last evaluated: 2018-01-13. Review status: criteria provided, single submitter. Criteria: ICSL Variant Classification Criteria 13 December 2019. Collection method: clinical testing. Allele origin: germline.
Comment: This variant was observed in the ICSL laboratory as part of a predisposition screen in an ostensibly healthy population. It had not been previously curated by ICSL or reported in the Human Gene Mutation Database (HGMD: prior to June 1st, 2018), and was therefore a candidate for classification through an automated scoring system. Utilizing variant allele frequency, disease prevalence and penetrance estimates, and inheritance mode, an automated score was calculated to assess if this variant is too frequent to cause the disease. Based on the score and internal cut-off values, a variant classified as benign is not then subjected to further curation. The score for this variant resulted in a classification of benign for this disease.